The following is an entry in ClinVar:

NC_000012.11:g.(?_2794882)_(2800385_?)dup

Genes: CACNA1C (calcium voltage-gated channel subunit alpha1 C; plus strand), CACNA1C-AS1 (CACNA1C antisense RNA 1; minus strand). Cytogenetic location: 12p13.33.
Variant type: Duplication.
Identifiers: ClinVar variation 456854 (VCV000456854.2).

ClinVar aggregate classification (germline): Uncertain significance (1 of 4 stars; one submission).

Conditions:
Long QT syndrome (LQTS). Identifiers: MedGen C0023976, MeSH D008133, MONDO:0002442. Disease mechanism: loss of function. Inheritance: Various modes of inheritance.

Submission:

Labcorp Genetics (formerly Invitae), Labcorp
Classification: Uncertain significance for Long QT syndrome. Last evaluated: 2018-08-21. Review status: criteria provided, single submitter. Criteria: Invitae Variant Classification Sherloc (09022015). Collection method: clinical testing. Allele origin: germline.
Comment: This variant is a gross duplication of the genomic region encompassing exons 44-47 of the CACNA1C gene. The 5' boundary is likely confined to intron 43. The 3' end of this event is unknown as it extends beyond the assayed region for this gene and therefore may encompass additional genes. This variant is not present in population databases and has not been reported in the literature in individuals with a CACNA1C-related disease. Experimental studies and prediction algorithms are not available for this variant, and the functional significance of the duplicated amino acids is currently unknown. In summary, the exact genomic location of this variant is unknown and the impact of this duplication on CACNA1C protein function has not been established. Therefore, it has been classified as a Variant of Uncertain Significance.